The following is an entry in ClinVar:

ClinVar aggregate classification (germline): Pathogenic (1 of 4 stars; one submission).

Conditions:
Tyrosinase-positive oculocutaneous albinism (OCA2). Also called: ALBINISM II; Oculocutaneous albinism type 2; Albinism, oculocutaneous, type II. Identifiers: Orphanet 79432, MedGen C0268495, MONDO:0008746, OMIM 203200.

Submission:

Myriad Genetics, Inc.
Classification: Pathogenic for Tyrosinase-positive oculocutaneous albinism. Last evaluated: 2025-10-13. Review status: criteria provided, single submitter. Criteria: Myriad Autosomal Dominant, Autosomal Recessive and X-Linked Classification Criteria (2023). Collection method: clinical testing. Allele origin: unknown.
Comment: NM_000275.2(OCA2):c.2056_2059dupGCAG(A687Gfs*55) is expected to be pathogenic in the context of oculocutaneous albinism, OCA2-related. This variant is predicted to lead to an abnormal or absent protein product due to the creation of a premature termination codon in OCA2, a gene where loss-of-function variants are known to be pathogenic. Please note: this variant was assessed in the context of healthy population screening.

NM_000275.3(OCA2):c.2056_2059dup (p.Ala687fs)

Gene: OCA2 (OCA2 melanosomal transmembrane protein; minus strand). Cytogenetic location: 15q13.1.
Variant type: Duplication.
Coding change: c.2056_2059dup on transcript NM_000275.3 (MANE Select); coding-DNA positions 2056 to 2059, 4 bases duplicated (GCAG; older notation c.2056_2059dupGCAG).
Protein change: p.Ala687fs; shifts the reading frame from alanine 687.
Molecular consequence: frameshift variant.
Genome position (GRCh38, 1-based): chr15:27,926,147-27,926,150, CTGC duplicated on the plus strand (GCAG on the coding strand, the reverse complement: OCA2 is on the minus strand). VCF-style (leftmost placement, unchanged base first): chr15-27926146-G-GCTGC. GRCh37 (hg19) VCF-style: chr15-28171292-G-GCTGC.
Other names: c.1984_1987dup, p.Ala663fs (NM_001300984.2); short protein forms A663fs, A687fs.
Identifiers: ClinVar variation 5015089 (VCV005015089.1).